The following is an entry in ClinVar:

ClinVar aggregate classification (germline): Uncertain significance. Review status: criteria provided, multiple submitters, no conflicts (2 of 4 stars). 2 submissions from 2 submitters: Uncertain significance (2). Last evaluated 2022-09-06.

Conditions:
Vici syndrome (VICIS). Identifiers: Orphanet 1493, MedGen C1855772, MONDO:0009452, OMIM 242840.

Allele frequency attached by ClinVar (database versions not stated): ExAC 0.00002; gnomAD exomes 0.00002 and below 0.00001; TOPMed 0.00002.
gnomAD v4.1: 4 of 1,610,448 alleles (0.00025%); highest among the groups gnomAD compares: Admixed American, 0.0034%; no homozygotes.

Submissions (2):

Labcorp Genetics (formerly Invitae), Labcorp
Classification: Uncertain significance for Vici syndrome. Last evaluated: 2022-09-06. Review status: criteria provided, single submitter. Criteria: Invitae Variant Classification Sherloc (09022015). Collection method: clinical testing. Allele origin: germline.
Comment: This sequence change replaces arginine, which is basic and polar, with histidine, which is basic and polar, at codon 1293 of the EPG5 protein (p.Arg1293His). This variant is present in population databases (rs781740724, gnomAD 0.009%). This variant has not been reported in the literature in individuals affected with EPG5-related conditions. ClinVar contains an entry for this variant (Variation ID: 961036). Algorithms developed to predict the effect of missense changes on protein structure and function are either unavailable or do not agree on the potential impact of this missense change (SIFT: "Deleterious"; PolyPhen-2: "Probably Damaging"; Align-GVGD: "Class C0"). In summary, the available evidence is currently insufficient to determine the role of this variant in disease. Therefore, it has been classified as a Variant of Uncertain Significance.

Daryl Scott Lab, Baylor College of Medicine
Classification: Uncertain significance for Vici syndrome. Review status: criteria provided, single submitter. Criteria: ACMG Guidelines, 2015. Collection method: clinical testing. Allele origin: maternal. Affected: yes. Observed: 1 compound heterozygote.
Comment: PM2, PP3

NM_020964.3(EPG5):c.3878G>A (p.Arg1293His)

Gene: EPG5 (ectopic P-granules 5 autophagy tethering factor; minus strand). Cytogenetic location: 18q21.1.
Variant type: single nucleotide variant.
Coding change: c.3878G>A on transcript NM_020964.3 (MANE Select); coding-DNA position 3878, G replaced by A.
Protein change: p.Arg1293His; replaces arginine 1293 with histidine.
Molecular consequence: missense variant.
Genome position (GRCh38, 1-based): chr18:45,912,395, C>T on the plus strand (G>A on the coding strand, the complement: EPG5 is on the minus strand). VCF-style: chr18-45912395-C-T. GRCh37 (hg19) VCF-style: chr18-43492360-C-T.
Other names: short protein forms R1293H.
Identifiers: ClinVar variation 961036 (VCV000961036.9), dbSNP rs781740724, ClinGen allele CA8949035.